The following is an entry in ClinVar:

NM_000093.5(COL5A1):c.5343_5345delinsTGACAACAA (p.Ile1782delinsAspAsnAsn)

Genes: COL5A1 (collagen type V alpha 1 chain; plus strand), LOC101448202 (uncharacterized LOC101448202; minus strand). Cytogenetic location: 9q34.3.
Variant type: Indel.
Coding change: c.5343_5345delinsTGACAACAA on transcript NM_000093.5 (MANE Select); coding-DNA positions 5343 to 5345, CAT replaced by TGACAACAA.
Protein change: p.Ile1782delinsAspAsnAsn.
Molecular consequence: inframe indel.
Genome position (GRCh38, 1-based): chr9:134,835,177-134,835,179, CAT replaced by TGACAACAA. VCF-style: chr9-134835177-CAT-TGACAACAA. GRCh37 (hg19) VCF-style: chr9-137727023-CAT-TGACAACAA.
Other names: c.5343_5345delinsTGACAACAA, p.Ile1782delinsAspAsnAsn (NM_001278074.1).
Identifiers: ClinVar variation 4781115 (VCV004781115.1).

ClinVar aggregate classification (germline): Uncertain significance (1 of 4 stars; one submission).

Conditions:
Ehlers-Danlos syndrome, classic type, 1 (EDSCL1). Also called: EHLERS-DANLOS SYNDROME, GRAVIS TYPE; EHLERS-DANLOS SYNDROME, SEVERE CLASSIC TYPE; Ehlers-Danlos syndrome, type 1; Ehlers-Danlos Syndrome, Classic Type, COL5A1-Related; EDS I. Identifiers: MedGen C0268335, MONDO:0019567, OMIM 130000.

Submission:

Labcorp Genetics (formerly Invitae), Labcorp
Classification: Uncertain significance for Ehlers-Danlos syndrome, classic type, 1. Last evaluated: 2021-09-08. Review status: criteria provided, single submitter. Criteria: Invitae Variant Classification Sherloc (09022015). Collection method: clinical testing. Allele origin: germline.
Comment: This variant, c.5343_5345delinsTGACAACAA, is a complex sequence change that results in the deletion of 1 and insertion of 3 amino acid(s) in the COL5A1 protein (p.Ile1782delinsAspAsnAsn). This variant is not present in population databases (ExAC no frequency). This variant has been observed in individual(s) with clinical features of autosomal dominant COL5A1-related conditions (Invitae). It has also been observed to segregate with disease in related individuals. Experimental studies and prediction algorithms are not available or were not evaluated, and the functional significance of this variant is currently unknown. In summary, the available evidence is currently insufficient to determine the role of this variant in disease. Therefore, it has been classified as a Variant of Uncertain Significance.